The following is an entry in ClinVar:

ClinVar aggregate classification (germline): Likely pathogenic. Review status: criteria provided, single submitter (1 of 4 stars). 2 submissions from 2 submitters: Likely pathogenic (1). 1 of the submissions does not count toward it. Last evaluated 2023-01-17.

Conditions:
Charcot-Marie-Tooth disease type 1B. Also called: CHARCOT-MARIE-TOOTH DISEASE, AUTOSOMAL DOMINANT, WITH FOCALLY FOLDED MYELIN SHEATHS, TYPE 1B; CHARCOT-MARIE-TOOTH DISEASE, SLOW NERVE CONDUCTION TYPE, LINKED TO DUFFY; CHARCOT-MARIE-TOOTH NEUROPATHY, TYPE 1B; PERONEAL MUSCULAR ATROPHY; Charcot-Marie-Tooth disease, demyelinating, type 1b; Hereditary motor and sensory neuropathy 1B. Identifiers: Orphanet 101082, MedGen C0270912, MONDO:0007307, OMIM 118200.
Dejerine-Sottas disease. Also called: DEJERINE-SOTTAS NEUROPATHY; HEREDITARY MOTOR AND SENSORY NEUROPATHY TYPE III; Charcot-Marie-Tooth disease type 3; HMSN Type III; Hereditary motor and sensory neuropathy 3. Identifiers: Orphanet 64748, MedGen C0011195, MONDO:0007790, OMIM 145900.

Submissions (2):

Concord Molecular Medicine Laboratory, Concord Repatriation General Hospital
Classification: Likely pathogenic for Charcot-Marie-Tooth disease type 1B. Last evaluated: 2023-01-17. Review status: criteria provided, single submitter. Criteria: ACMG Guidelines, 2015. Collection method: clinical testing. Allele origin: unknown. Inheritance: Autosomal dominant inheritance. Affected: yes. Observed: 1 heterozygote.
Comment: Nerve conduction study was consistent with CMT. This variant has been previously reported in homozygous and heterozygous state in one family affected by CMT in literature (PMID: 8630052). The variant is located in a mutational hotspot and a critical functional domain (Immunoglobulin V-set domain, PF07686). The variant is absent in population database (gnomAD). A different in-frame deletion of an adjacent amino acid, serine at position 63, has also been described to cause CMT (PMID: 22734905). The current evidence allows a classification of this variant as likely pathogenic (ACMG criteria: PM4, PM1, PS4_supporting, PM2_supporting).

Inherited Neuropathy Consortium
Classification: Uncertain significance for Dejerine-Sottas disease. Review status: no assertion criteria provided. Collection method: literature only. Allele origin: germline. Affected: yes. Not counted in ClinVar's aggregate classification.

Literature cited by the submitters: PubMed 8630052 (cited by Concord Molecular Medicine Laboratory, Concord Repatriation General Hospital and Inherited Neuropathy Consortium); PubMed 33179255 (cited by Concord Molecular Medicine Laboratory, Concord Repatriation General Hospital).

NM_000530.8(MPZ):c.190_192del (p.Phe64del)

Gene: MPZ (myelin protein zero; minus strand). Cytogenetic location: 1q23.3.
Variant type: Deletion.
Coding change: c.190_192del on transcript NM_000530.8 (MANE Select); coding-DNA positions 190 to 192, 3 bases deleted (TTC; older notation c.190_192delTTC).
Protein change: p.Phe64del; deletes phenylalanine 64.
Molecular consequence: inframe deletion.
Genome position (GRCh38, 1-based): chr1:161,307,300-161,307,302, GAA deleted on the plus strand (TTC on the coding strand, the reverse complement: MPZ is on the minus strand); deleting any 3 consecutive bases within chr1:161,307,300-161,307,303 gives the same sequence; the c. name uses the placement nearest the transcript's 3' end. VCF-style (leftmost placement, unchanged base first): chr1-161307299-TGAA-T. GRCh37 (hg19) VCF-style: chr1-161277089-TGAA-T.
Other names: c.190_192del (LRG_256t1); c.190_192del, p.Phe64del (NM_001315491.2); c.190_192delTTC (NM_000530.6); short protein forms F64del.
Identifiers: ClinVar variation 637327 (VCV000637327.3), dbSNP rs1571819975, ClinGen allele CA915943874.
Genomic context (GRCh38, chr1:161,307,299, plus strand): 5'-GATTCCCCCAGGCACTCACCGAAATGGCATCTCTGCCCCCTTCGGGCTGGTAGCGCCAGG[TGAA>T]GGAGATGTCATCTGAGACCCACTCACTGGACCAGAAGGAGCAGTGCAGGGTCACCCGGGA-3'